The following is an entry in ClinVar:

NM_033419.5(PGAP3):c.760C>T (p.Arg254Cys)

Gene: PGAP3 (post-GPI attachment to proteins phospholipase 3; minus strand). Cytogenetic location: 17q12.
Variant type: single nucleotide variant.
Coding change: c.760C>T on transcript NM_033419.5 (MANE Select); coding-DNA position 760, C replaced by T.
Protein change: p.Arg254Cys; replaces arginine 254 with cysteine.
Molecular consequence: missense variant. On other transcripts: intron variant (3).
Genome position (GRCh38, 1-based): chr17:39,673,190, G>A on the plus strand (C>T on the coding strand, the complement: PGAP3 is on the minus strand). VCF-style: chr17-39673190-G-A. GRCh37 (hg19) VCF-style: chr17-37829443-G-A.
Other names: c.607C>T, p.Arg203Cys (NM_001291726.2); c.697C>T, p.Arg233Cys (NM_001291728.2); c.433-324C>T (NM_001291733.2); c.495-324C>T (NM_001291732.2); c.558-324C>T (NM_001291730.2); short protein forms R254C, R203C, R233C.
Identifiers: ClinVar variation 1920017 (VCV001920017.2), dbSNP rs754318839, ClinGen allele CA8533242.

ClinVar aggregate classification (germline): Uncertain significance (1 of 4 stars; one submission).

Allele frequency attached by ClinVar (database versions not stated): gnomAD 0.00001; TOPMed 0.00001; gnomAD exomes 0.00004; ExAC 0.00009.
gnomAD v4.1: 57 of 1,572,684 alleles (0.0036%); highest among the groups gnomAD compares: South Asian, 0.015%; no homozygotes.

Submission:

Labcorp Genetics (formerly Invitae), Labcorp
Classification: Uncertain significance. Last evaluated: 2022-06-08. Review status: criteria provided, single submitter. Criteria: Invitae Variant Classification Sherloc (09022015). Collection method: clinical testing. Allele origin: germline.
Comment: This sequence change replaces arginine, which is basic and polar, with cysteine, which is neutral and slightly polar, at codon 254 of the PGAP3 protein (p.Arg254Cys). This variant is present in population databases (rs754318839, gnomAD 0.02%). This variant has not been reported in the literature in individuals affected with PGAP3-related conditions. Algorithms developed to predict the effect of missense changes on protein structure and function are either unavailable or do not agree on the potential impact of this missense change (SIFT: "Deleterious"; PolyPhen-2: "Possibly Damaging"; Align-GVGD: "Class C15"). In summary, the available evidence is currently insufficient to determine the role of this variant in disease. Therefore, it has been classified as a Variant of Uncertain Significance.